The following is an entry in ClinVar:

ClinVar aggregate classification (germline): Uncertain significance (1 of 4 stars; one submission).

Conditions:
Cardiomyopathy (CMYO). Also called: Cardiomyopathies. Identifiers: Orphanet 167848, MedGen C0878544, MONDO:0004994, HP:0001638. Inheritance: Various modes of inheritance.

Allele frequency attached by ClinVar (database versions not stated): gnomAD exomes below 0.00001.
gnomAD v4.1: 1 of 1,613,004 alleles (0.000062%); highest among the groups gnomAD compares: African/African-American, 0.0013%; no homozygotes.

Submission:

Color Diagnostics, LLC DBA Color Health
Classification: Uncertain significance for Cardiomyopathy. Last evaluated: 2024-03-07. Review status: criteria provided, single submitter. Criteria: ACMG Guidelines, 2015. Collection method: clinical testing. Allele origin: germline.
Comment: This missense variant replaces lysine with glutamic acid at codon 932 of the MYBPC3 protein. Computational prediction suggests that this variant may not impact protein structure and function (internally defined REVEL score threshold <= 0.5, PMID: 27666373). To our knowledge, functional studies have not been reported for this variant. This variant has not been reported in individuals affected with cardiovascular disorders in the literature. This variant has not been identified in the general population by the Genome Aggregation Database (gnomAD). The available evidence is insufficient to determine the role of this variant in disease conclusively. Therefore, this variant is classified as a Variant of Uncertain Significance.

NM_000256.3(MYBPC3):c.2794A>G (p.Lys932Glu)

Gene: MYBPC3 (myosin binding protein C3; minus strand). Cytogenetic location: 11p11.2.
Variant type: single nucleotide variant.
Coding change: c.2794A>G on transcript NM_000256.3 (MANE Select); coding-DNA position 2794, A replaced by G.
Protein change: p.Lys932Glu; replaces lysine 932 with glutamic acid.
Molecular consequence: missense variant.
Genome position (GRCh38, 1-based): chr11:47,335,153, T>C on the plus strand (A>G on the coding strand, the complement: MYBPC3 is on the minus strand). VCF-style: chr11-47335153-T-C. GRCh37 (hg19) VCF-style: chr11-47356704-T-C.
Other names: short protein forms K932E.
Identifiers: ClinVar variation 1171860 (VCV001171860.3), dbSNP rs2142852976, ClinGen allele CA380316529.